The following is an entry in ClinVar:

ClinVar aggregate classification (germline): Pathogenic. Review status: reviewed by expert panel (3 of 4 stars). 7 submissions from 7 submitters: Pathogenic (1). 6 of the submissions do not count toward it. Last evaluated 2016-09-08.

Conditions:
Hereditary cancer-predisposing syndrome. Also called: Hereditary Cancer Syndrome; Neoplastic Syndromes, Hereditary; Hereditary neoplastic syndrome; Tumor predisposition. Identifiers: Orphanet 140162, MedGen C0027672, MeSH D009386, MONDO:0015356.
Hereditary breast ovarian cancer syndrome. Also called: Hereditary breast and ovarian cancer syndrome (HBOC); Breast and ovarian cancer; Hereditary breast and ovarian cancer syndrome; Hereditary breast and ovarian cancer; BRCA1- and BRCA2-Associated Hereditary Breast and Ovarian Cancer; Hereditary breast and/or ovarian cancer syndrome. Identifiers: Orphanet 145, MedGen C0677776, MeSH D061325, MONDO:0003582. Disease mechanism: loss of function.
Breast-ovarian cancer, familial, susceptibility to, 1 (BROVCA1). Also called: BRCA1 Hereditary Breast and Ovarian Cancer; OVARIAN CANCER, SUSCEPTIBILITY TO. Identifiers: Orphanet 145, MedGen C2676676, MONDO:0011450, OMIM 604370. Disease mechanism: loss of function.

Submissions (7):

Evidence-based Network for the Interpretation of Germline Mutant Alleles (ENIGMA)
Classification: Pathogenic for Breast-ovarian cancer, familial, susceptibility to, 1. Last evaluated: 2016-09-08. Review status: reviewed by expert panel. Criteria: ENIGMA BRCA1/2 Classification Criteria (2015). Collection method: curation. Allele origin: germline.
Comment: Variant allele predicted to encode a truncated non-functional protein.

Color Diagnostics, LLC DBA Color Health
Classification: Pathogenic for Hereditary cancer-predisposing syndrome. Last evaluated: 2023-07-06. Review status: criteria provided, single submitter. Criteria: ACMG Guidelines, 2015. Collection method: clinical testing. Allele origin: germline. Not counted in ClinVar's aggregate classification.
Comment: This variant changes 1 nucleotide in exon 10 of the BRCA1 gene, creating a premature translation stop signal. This variant is expected to result in an absent or non-functional protein product. This variant has been reported in individuals affected with breast and/or ovarian cancer (PMID: 27553291, 28176296). This variant has not been identified in the general population by the Genome Aggregation Database (gnomAD). Loss of BRCA1 function is a known mechanism of disease. Based on the available evidence, this variant is classified as Pathogenic.

Ambry Genetics
Classification: Pathogenic for Hereditary cancer-predisposing syndrome. Last evaluated: 2023-03-15. Review status: criteria provided, single submitter. Criteria: Ambry Variant Classification Scheme 2023. Collection method: clinical testing. Allele origin: germline. Not counted in ClinVar's aggregate classification.
Comment: The p.Q262* pathogenic mutation (also known as c.784C>T), located in coding exon 9 of the BRCA1 gene, results from a C to T substitution at nucleotide position 784. This changes the amino acid from a glutamine to a stop codon within coding exon 9. This alteration is expected to result in loss of function by premature protein truncation or nonsense-mediated mRNA decay. As such, this alteration is interpreted as a disease-causing mutation.

Labcorp Genetics (formerly Invitae), Labcorp
Classification: Pathogenic for Hereditary breast ovarian cancer syndrome. Last evaluated: 2021-12-05. Review status: criteria provided, single submitter. Criteria: Invitae Variant Classification Sherloc (09022015). Collection method: clinical testing. Allele origin: germline. Not counted in ClinVar's aggregate classification.
Comment: For these reasons, this variant has been classified as Pathogenic. ClinVar contains an entry for this variant (Variation ID: 254380). This premature translational stop signal has been observed in individual(s) with hereditary breast and/or ovarian cancer (PMID: 27553291, 28176296, 29446198, 30702160). This variant is not present in population databases (gnomAD no frequency). This sequence change creates a premature translational stop signal (p.Gln262*) in the BRCA1 gene. It is expected to result in an absent or disrupted protein product. Loss-of-function variants in BRCA1 are known to be pathogenic (PMID: 20104584).

Consortium of Investigators of Modifiers of BRCA1/2 (CIMBA), c/o University of Cambridge
Classification: Pathogenic for Breast-ovarian cancer, familial, susceptibility to, 1. Last evaluated: 2015-10-02. Review status: criteria provided, single submitter. Criteria: CIMBA Mutation Classification guidelines May 2016. Collection method: clinical testing. Allele origin: germline. Not counted in ClinVar's aggregate classification.

Clinical Genetics DNA and cytogenetics Diagnostics Lab, Erasmus MC, Erasmus Medical Center
Classification: Pathogenic. Review status: no assertion criteria provided. Collection method: clinical testing. Allele origin: germline. Affected: yes. Study: VKGL Data-share Consensus. Not counted in ClinVar's aggregate classification.

Diagnostic Laboratory, Department of Genetics, University Medical Center Groningen
Classification: Pathogenic for Breast-ovarian cancer, familial, susceptibility to, 1. Review status: no assertion criteria provided. Collection method: clinical testing. Allele origin: germline. Affected: yes. Study: VKGL Data-share Consensus. Not counted in ClinVar's aggregate classification.

Literature cited by the submitters: PubMed 27553291 (cited by Color Diagnostics, LLC DBA Color Health and Labcorp Genetics (formerly Invitae), Labcorp); PubMed 28176296 (cited by Color Diagnostics, LLC DBA Color Health and Labcorp Genetics (formerly Invitae), Labcorp); PubMed 29446198 (cited by Labcorp Genetics (formerly Invitae), Labcorp); PubMed 30702160 (cited by Labcorp Genetics (formerly Invitae), Labcorp); PubMed 20104584 (cited by Labcorp Genetics (formerly Invitae), Labcorp).

NM_007294.4(BRCA1):c.784C>T (p.Gln262Ter)

Gene: BRCA1 (BRCA1 DNA repair associated; minus strand). Cytogenetic location: 17q21.31.
Variant type: single nucleotide variant.
Coding change: c.784C>T on transcript NM_007294.4 (MANE Select); coding-DNA position 784, C replaced by T.
Protein change: p.Gln262Ter; replaces glutamine 262 with a stop codon.
Molecular consequence: nonsense. On other transcripts: non-coding transcript variant (1).
Genome position (GRCh38, 1-based): chr17:43,094,747, G>A on the plus strand (C>T on the coding strand, the complement: BRCA1 is on the minus strand). VCF-style: chr17-43094747-G-A. GRCh37 (hg19) VCF-style: chr17-41246764-G-A.
Other names: c.640C>T, p.Gln214Ter (NM_001407847.1, NM_001407848.1, NM_001407849.1 and 26 more transcripts); c.571C>T, p.Gln191Ter (NM_001407571.1, NM_001407853.1, NM_001407894.1 and 12 more transcripts); c.643C>T, p.Gln215Ter (NM_001407850.1, NM_001407851.1, NM_001407852.1 and 43 more transcripts); c.784C>T, p.Gln262Ter (NM_001407581.1, NM_001407582.1, NM_001407583.1 and 54 more transcripts); c.781C>T, p.Gln261Ter (NM_001407587.1, NM_001407590.1, NM_001407860.1 and 38 more transcripts); c.583C>T, p.Gln195Ter (NM_001407862.1, NM_001408474.1, NM_001408476.1); c.661C>T, p.Gln221Ter (NM_001407863.1, NM_001407919.1, NM_001407648.1 and 34 more transcripts); c.580C>T, p.Gln194Ter (NM_001407874.1, NM_001407875.1, NM_001408475.1); and 14 more; short protein forms Q262*, Q215*, Q134*, Q135*, Q217*, Q220*, Q235*, Q150*.
Identifiers: ClinVar variation 254380 (VCV000254380.20), dbSNP rs886037979, ClinGen allele CA10586665.